The following is an entry in ClinVar:

NM_000287.4(PEX6):c.272G>C (p.Trp91Ser)

Gene: PEX6 (peroxisomal biogenesis factor 6; minus strand). Cytogenetic location: 6p21.1.
Variant type: single nucleotide variant.
Coding change: c.272G>C on transcript NM_000287.4 (MANE Select); coding-DNA position 272, G replaced by C.
Protein change: p.Trp91Ser; replaces tryptophan 91 with serine.
Molecular consequence: missense variant. On other transcripts: non-coding transcript variant (1).
Genome position (GRCh38, 1-based): chr6:42,978,879, C>G on the plus strand (G>C on the coding strand, the complement: PEX6 is on the minus strand). VCF-style: chr6-42978879-C-G. GRCh37 (hg19) VCF-style: chr6-42946617-C-G.
Other names: c.272G>C, p.Trp91Ser (NM_001316313.2); short protein forms W91S.
Identifiers: ClinVar variation 2155153 (VCV002155153.4), dbSNP rs1038828357, ClinGen allele CA138238574.

ClinVar aggregate classification (germline): Uncertain significance (1 of 4 stars; one submission).

Conditions:
Peroxisome biogenesis disorder. Identifiers: Orphanet 79189, MedGen C1832200, MONDO:0019234. Disease mechanism: loss of function.

Allele frequency attached by ClinVar (database versions not stated): gnomAD exomes below 0.00001; gnomAD 0.00001; TOPMed 0.00003.
gnomAD v4.1: 3 of 1,490,724 alleles (0.0002%); highest among the groups gnomAD compares: African/African-American, 0.0044%; no homozygotes.

Submission:

Labcorp Genetics (formerly Invitae), Labcorp
Classification: Uncertain significance for Peroxisome biogenesis disorder. Last evaluated: 2023-07-10. Review status: criteria provided, single submitter. Criteria: Invitae Variant Classification Sherloc (09022015). Collection method: clinical testing. Allele origin: germline.
Comment: In summary, the available evidence is currently insufficient to determine the role of this variant in disease. Therefore, it has been classified as a Variant of Uncertain Significance. An algorithm developed to predict the effect of missense changes on protein structure and function (PolyPhen-2) suggests that this variant is likely to be tolerated. ClinVar contains an entry for this variant (Variation ID: 2155153). This variant has not been reported in the literature in individuals affected with PEX6-related conditions. This variant is not present in population databases (gnomAD no frequency). This sequence change replaces tryptophan, which is neutral and slightly polar, with serine, which is neutral and polar, at codon 91 of the PEX6 protein (p.Trp91Ser).